The following is an entry in ClinVar:

NM_000038.6(APC):c.2345del (p.Lys782fs)

Gene: APC (APC regulator of Wnt signaling pathway; plus strand). Cytogenetic location: 5q22.2.
Variant type: Deletion.
Coding change: c.2345del on transcript NM_000038.6 (MANE Select); coding-DNA position 2345, one base deleted (A; older notation c.2345delA).
Protein change: p.Lys782fs; shifts the reading frame from lysine 782.
Molecular consequence: frameshift variant. On other transcripts: non-coding transcript variant (2).
Genome position (GRCh38, 1-based): chr5:112,837,939, A deleted; the last of 2 consecutive A bases (chr5:112,837,938-112,837,939); deleting either gives the same sequence. VCF-style (leftmost placement, unchanged base first): chr5-112837937-CA-C. GRCh37 (hg19) VCF-style: chr5-112173634-CA-C.
Other names: c.2345del, p.Lys782fs (NM_001127510.3, NM_001354895.2, NM_001407450.1); c.2291del, p.Lys764fs (NM_001127511.3); c.2399del, p.Lys800fs (NM_001354896.2, NM_001407447.1, NM_001407448.1 and 1 more transcripts); c.2375del, p.Lys792fs (NM_001354897.2); c.2270del, p.Lys757fs (NM_001354898.2); c.2261del, p.Lys754fs (NM_001354899.2); c.2222del, p.Lys741fs (NM_001354900.2); c.2168del, p.Lys723fs (NM_001354901.2, NM_001407453.1); and 11 more; short protein forms K398fs, K499fs, K622fs, K653fs, K656fs, K681fs, K691fs, K699fs.
Identifiers: ClinVar variation 2584004 (VCV002584004.2), dbSNP rs2533413882, ClinGen allele CA2582341457.

ClinVar aggregate classification (germline): Pathogenic (1 of 4 stars; one submission).

Conditions:
Familial adenomatous polyposis 1 (FAP1). Also called: FAMILIAL ADENOMATOUS POLYPOSIS 1, ATTENUATED; POLYPOSIS, ADENOMATOUS INTESTINAL. Identifiers: MedGen C2713442, MONDO:0021056, OMIM 175100. Disease mechanism: loss of function.

Submission:

Myriad Genetics, Inc.
Classification: Pathogenic for Familial adenomatous polyposis 1. Last evaluated: 2023-05-04. Review status: criteria provided, single submitter. Criteria: Myriad Autosomal Dominant, Autosomal Recessive and X-Linked Classification Criteria (2023). Collection method: clinical testing. Allele origin: unknown.
Comment: This variant is considered pathogenic. This variant creates a frameshift predicted to result in premature protein truncation.